The following is an entry in ClinVar:

NM_021926.4(ALX4):c.*1365C>A

Gene: ALX4 (ALX homeobox 4; minus strand). Cytogenetic location: 11p11.2.
Variant type: single nucleotide variant.
Coding change: c.*1365C>A on transcript NM_021926.4 (MANE Select); 1365 bases downstream of the stop codon, C replaced by A.
Molecular consequence: 3 prime UTR variant.
Genome position (GRCh38, 1-based): chr11:44,263,489, G>T on the plus strand (C>A on the coding strand, the complement: ALX4 is on the minus strand). VCF-style: chr11-44263489-G-T. GRCh37 (hg19) VCF-style: chr11-44285039-G-T.
Other names: c.*1365C>A (LRG_1256t1).
Identifiers: ClinVar variation 304660 (VCV000304660.5), dbSNP rs529798397, ClinGen allele CA10630884.

ClinVar aggregate classification (germline): Benign (1 of 4 stars; one submission).

Conditions:
Parietal foramina 2 (PFM2). Identifiers: Orphanet 60015, MedGen C1865044, MONDO:0012309, OMIM 609597.

Allele frequency attached by ClinVar (database versions not stated): gnomAD 0.00041; TOPMed 0.00042; 1000 Genomes Project 0.00060; 1000 Genomes Project 30x 0.00062.

Submission:

Illumina Laboratory Services, Illumina
Classification: Benign for Parietal foramina 2. Last evaluated: 2018-01-13. Review status: criteria provided, single submitter. Criteria: ICSL Variant Classification Criteria 13 December 2019. Collection method: clinical testing. Allele origin: germline.
Comment: This variant was observed in the ICSL laboratory as part of a predisposition screen in an ostensibly healthy population. It had not been previously curated by ICSL or reported in the Human Gene Mutation Database (HGMD: prior to June 1st, 2018), and was therefore a candidate for classification through an automated scoring system. Utilizing variant allele frequency, disease prevalence and penetrance estimates, and inheritance mode, an automated score was calculated to assess if this variant is too frequent to cause the disease. Based on the score and internal cut-off values, a variant classified as benign is not then subjected to further curation. The score for this variant resulted in a classification of benign for this disease.